The following is an entry in ClinVar:

ClinVar aggregate classification (germline): Uncertain significance (1 of 4 stars; one submission).

Submission:

CeGaT Center for Human Genetics Tuebingen
Classification: Uncertain significance. Last evaluated: 2025-10-01. Review status: criteria provided, single submitter. Criteria: CeGaT Center For Human Genetics Tuebingen Variant Classification Criteria Version 2. Collection method: clinical testing. Allele origin: germline. Affected: yes. Observed: 1 variant allele.
Comment: PPP2R3C: PM2, BP4

NM_017917.4(PPP2R3C):c.19C>T (p.Leu7Phe)

Genes: PPP2R3C (protein phosphatase 2 regulatory subunit B''gamma; minus strand), PRORP (protein only RNase P catalytic subunit; plus strand), PRORP-PSMA6 (PRORP-PSMA6 readthrough; plus strand), LOC126861916 (MED14-independent group 3 enhancer GRCh37_chr14:35590400-35591599; plus strand). Cytogenetic location: 14q13.2.
Variant type: single nucleotide variant.
Coding change: c.19C>T on transcript NM_017917.4 (MANE Select); coding-DNA position 19, C replaced by T.
Protein change: p.Leu7Phe; replaces leucine 7 with phenylalanine.
Molecular consequence: missense variant. On other transcripts: non-coding transcript variant (2), 5 prime UTR variant (3).
Genome position (GRCh38, 1-based): chr14:35,121,941, G>A on the plus strand (C>T on the coding strand, the complement: PPP2R3C is on the minus strand). VCF-style: chr14-35121941-G-A. GRCh37 (hg19) VCF-style: chr14-35591147-G-A.
Other names: c.-184C>T (NM_001305155.2, NM_001305156.2); c.-406G>A (NM_001414503.1); short protein forms L7F.
Identifiers: ClinVar variation 4534141 (VCV004534141.6).
Genomic context (GRCh38, chr14:35,121,941, plus strand): 5'-GCTGCCCCTCCCAAAACTCACTGTTTGGACAGGTGTTGGGCGTCGCTAGGCGCCGACGAA[G>A]AACTTCTTTCCAGTCCATGGCCGACTTCCGCGCAGCAGCTTCTGCATTTGCTGTTTCCTA-3'
Protein context (NP_060387.2, residues 1-17): MDWKEV[Leu7Phe]RRRLATPNTC